The following is an entry in ClinVar:

ClinVar aggregate classification (germline): Uncertain significance (1 of 4 stars; one submission).

Allele frequency attached by ClinVar (database versions not stated): gnomAD exomes below 0.00001 and 0.00001; ExAC 0.00002; 1000 Genomes Project 30x 0.00016; 1000 Genomes Project 0.00020.

Submission:

Labcorp Genetics (formerly Invitae), Labcorp
Classification: Uncertain significance. Last evaluated: 2021-07-15. Review status: criteria provided, single submitter. Criteria: Invitae Variant Classification Sherloc (09022015). Collection method: clinical testing. Allele origin: germline.
Comment: In summary, the available evidence is currently insufficient to determine the role of this variant in disease. Therefore, it has been classified as a Variant of Uncertain Significance. Algorithms developed to predict the effect of sequence changes on RNA splicing suggest that this variant may disrupt the consensus splice site. Algorithms developed to predict the effect of missense changes on protein structure and function are either unavailable or do not agree on the potential impact of this missense change (SIFT: "Deleterious"; PolyPhen-2: "Probably Damaging"; Align-GVGD: "Class C15"). This variant has not been reported in the literature in individuals affected with TBCK-related conditions. This variant is present in population databases (rs574740376, ExAC 0.01%). This sequence change replaces histidine with tyrosine at codon 633 of the TBCK protein (p.His633Tyr). The histidine residue is highly conserved and there is a moderate physicochemical difference between histidine and tyrosine.

NM_001163435.3(TBCK):c.1897C>T (p.His633Tyr)

Gene: TBCK (TBC1 domain containing kinase; minus strand). Cytogenetic location: 4q24.
Variant type: single nucleotide variant.
Coding change: c.1897C>T on transcript NM_001163435.3 (MANE Select); coding-DNA position 1897, C replaced by T.
Protein change: p.His633Tyr; replaces histidine 633 with tyrosine.
Molecular consequence: missense variant.
Genome position (GRCh38, 1-based): chr4:106,194,718, G>A on the plus strand (C>T on the coding strand, the complement: TBCK is on the minus strand). VCF-style: chr4-106194718-G-A. GRCh37 (hg19) VCF-style: chr4-107115875-G-A.
Other names: c.1897C>T, p.His633Tyr (NM_001163436.4); c.1780C>T, p.His594Tyr (NM_001163437.3); c.1381C>T, p.His461Tyr (NM_001290768.2); c.1708C>T, p.His570Tyr (NM_033115.5); short protein forms H461Y, H633Y, H570Y, H594Y.
Identifiers: ClinVar variation 1503100 (VCV001503100.8), dbSNP rs574740376, ClinGen allele CA3034883.